The following is an entry in ClinVar:

NM_017415.3(KLHL3):c.1327C>T (p.Leu443=)

Gene: KLHL3 (kelch like family member 3; minus strand). Cytogenetic location: 5q31.2.
Variant type: single nucleotide variant.
Coding change: c.1327C>T on transcript NM_017415.3 (MANE Select); coding-DNA position 1327, C replaced by T.
Protein change: p.Leu443=; no amino-acid change (leucine 443 retained).
Molecular consequence: synonymous variant.
Genome position (GRCh38, 1-based): chr5:137,634,160, G>A on the plus strand (C>T on the coding strand, the complement: KLHL3 is on the minus strand). VCF-style: chr5-137634160-G-A. GRCh37 (hg19) VCF-style: chr5-136969849-G-A.
Other names: c.1231C>T, p.Leu411= (NM_001257194.1); c.1081C>T, p.Leu361= (NM_001257195.2).
Identifiers: ClinVar variation 906052 (VCV000906052.9), dbSNP rs139150347, ClinGen allele CA3422224.

ClinVar aggregate classification (germline): Benign/Likely benign. Review status: criteria provided, multiple submitters, no conflicts (2 of 4 stars). 3 submissions from 3 submitters: Benign (1); Likely benign (1). 1 of the submissions does not count toward it. Last evaluated 2025-01-23.

Conditions:
Pseudohypoaldosteronism type 2D (PHA2D). Also called: FAMILIAL HYPERKALEMIC HYPERTENSION; PSEUDOHYPOALDOSTERONISM, TYPE IID, AUTOSOMAL DOMINANT OR RECESSIVE; Pseudohypoaldosteronism Type IID. Identifiers: Orphanet 300525, Orphanet 757, MedGen C3469605, MONDO:0013781, OMIM 614495.
KLHL3-related disorder. Also called: KLHL3-related condition.

Allele frequency attached by ClinVar (database versions not stated): gnomAD exomes 0.00004 and 0.00013; ExAC 0.00009; gnomAD 0.00042 and 0.00049; TOPMed 0.00050; ESP Exome Variant Server 0.00054.
gnomAD v4.1: 127 of 1,608,310 alleles (0.0079%); highest among the groups gnomAD compares: African/African-American, 0.16%; no homozygotes.

Submissions (3):

Labcorp Genetics (formerly Invitae), Labcorp
Classification: Likely benign. Last evaluated: 2025-01-23. Review status: criteria provided, single submitter. Criteria: Invitae Variant Classification Sherloc (09022015). Collection method: clinical testing. Allele origin: germline.

Illumina Laboratory Services, Illumina
Classification: Benign for Pseudohypoaldosteronism type 2D. Last evaluated: 2018-01-13. Review status: criteria provided, single submitter. Criteria: ICSL Variant Classification Criteria 13 December 2019. Collection method: clinical testing. Allele origin: germline.
Comment: This variant was observed in the ICSL laboratory as part of a predisposition screen in an ostensibly healthy population. It had not been previously curated by ICSL or reported in the Human Gene Mutation Database (HGMD: prior to June 1st, 2018), and was therefore a candidate for classification through an automated scoring system. Utilizing variant allele frequency, disease prevalence and penetrance estimates, and inheritance mode, an automated score was calculated to assess if this variant is too frequent to cause the disease. Based on the score and internal cut-off values, a variant classified as benign is not then subjected to further curation. The score for this variant resulted in a classification of benign for this disease.

PreventionGenetics, part of Exact Sciences
Classification: Likely benign for KLHL3-related condition. Last evaluated: 2019-02-18. Review status: no assertion criteria provided. Collection method: clinical testing. Allele origin: germline. Not counted in ClinVar's aggregate classification.
Comment: This variant is classified as likely benign based on ACMG/AMP sequence variant interpretation guidelines (Richards et al. 2015 PMID: 25741868, with internal and published modifications).